The following is an entry in ClinVar:

NM_002772.3(TMPRSS15):c.1496_1497del (p.Tyr499fs)

Gene: TMPRSS15 (transmembrane serine protease 15; minus strand). Cytogenetic location: 21q21.1.
Variant type: Microsatellite.
Coding change: c.1496_1497del on transcript NM_002772.3 (MANE Select); coding-DNA positions 1496 to 1497, 2 bases deleted (AT; older notation c.1496_1497delAT).
Protein change: p.Tyr499fs; shifts the reading frame from tyrosine 499.
Molecular consequence: frameshift variant.
Genome position (GRCh38, 1-based): chr21:18,341,480-18,341,481, AT deleted on the plus strand (AT on the coding strand, the reverse complement: TMPRSS15 is on the minus strand); deleting any 2 consecutive bases within chr21:18,341,480-18,341,483 gives the same sequence; the c. name uses the placement nearest the transcript's 3' end. VCF-style (leftmost placement, unchanged base first): chr21-18341479-CAT-C. GRCh37 (hg19) VCF-style: chr21-19713796-CAT-C.
Other names: c.1631_1632del, p.Tyr544fs (NM_001428056.1); c.1496_1497del, p.Tyr499fs (NM_001428057.1); short protein forms Y499fs, Y544fs.
Identifiers: ClinVar variation 4771428 (VCV004771428.1).
Genomic context (GRCh38, chr21:18,341,479, plus strand): 5'-GTTCTGGTGGAGGAGTTGGCACCAAAGTTGGTTCTGGATAAAGACTCCCATTGCAAATCC[CAT>C]ATGTTAGGCTAATGTCATCCAACGCAATATCACTCAGGATCTTGTTTTTAAAAGCATTAA-3'

ClinVar aggregate classification (germline): Pathogenic (1 of 4 stars; one submission).

Submission:

Labcorp Genetics (formerly Invitae), Labcorp
Classification: Pathogenic. Last evaluated: 2025-08-12. Review status: criteria provided, single submitter. Criteria: Invitae Variant Classification Sherloc (09022015). Collection method: clinical testing. Allele origin: germline.
Comment: This sequence change creates a premature translational stop signal (p.Tyr499Trpfs*30) in the TMPRSS15 gene. It is expected to result in an absent or disrupted protein product. Loss-of-function variants in TMPRSS15 are known to be pathogenic (PMID: 11719902). This variant is not present in population databases (gnomAD no frequency). This variant has not been reported in the literature in individuals affected with TMPRSS15-related conditions. For these reasons, this variant has been classified as Pathogenic.

Literature cited by the submitters: PubMed 11719902.